The following is an entry in ClinVar:

NM_006231.4(POLE):c.3570_3571delinsAA (p.Gly1191Ser)

Gene: POLE (DNA polymerase epsilon, catalytic subunit; minus strand). Cytogenetic location: 12q24.33.
Variant type: Indel.
Coding change: c.3570_3571delinsAA on transcript NM_006231.4 (MANE Select); coding-DNA positions 3570 to 3571, GG replaced by AA.
Protein change: p.Gly1191Ser; replaces glycine 1191 with serine.
Molecular consequence: missense variant.
Genome position (GRCh38, 1-based): chr12:132,657,147-132,657,148, CC replaced by TT on the plus strand (GG replaced by AA on the coding strand, the reverse complement: POLE is on the minus strand). VCF-style: chr12-132657147-CC-TT. GRCh37 (hg19) VCF-style: chr12-133233733-CC-TT.
Other names: c.3570_3571delGGinsAA (NM_006231.2); short protein forms G1191S.
Identifiers: ClinVar variation 857077 (VCV000857077.10), dbSNP rs2042561437, ClinGen allele CA916082376.

ClinVar aggregate classification (germline): Uncertain significance. Review status: criteria provided, multiple submitters, no conflicts (2 of 4 stars). 2 submissions from 2 submitters: Uncertain significance (2). Last evaluated 2025-05-02.

Conditions:
Hereditary cancer-predisposing syndrome. Also called: Tumor predisposition; Hereditary neoplastic syndrome; Neoplastic Syndromes, Hereditary; Hereditary Cancer Syndrome. Identifiers: Orphanet 140162, MedGen C0027672, MeSH D009386, MONDO:0015356.

Submissions (2):

Ambry Genetics
Classification: Uncertain significance for Hereditary cancer-predisposing syndrome. Last evaluated: 2025-05-02. Review status: criteria provided, single submitter. Criteria: Ambry Variant Classification Scheme 2023. Collection method: clinical testing. Allele origin: germline.
Comment: The c.3570_3571delGGinsAA variant (also known as p.G1191S), located in coding exon 29 of the POLE gene, results from an in-frame deletion of GG and insertion of AA at nucleotide positions c.3570 to c.3571. This results in the substitution of the glycine residue for a serine residue at codon 1191, an amino acid with similar properties. This amino acid position is highly conserved in available vertebrate species. In addition, the in silico prediction for this alteration is inconclusive. Based on the available evidence, the clinical significance of this variant remains unclear.

Labcorp Genetics (formerly Invitae), Labcorp
Classification: Uncertain significance. Last evaluated: 2022-05-31. Review status: criteria provided, single submitter. Criteria: Invitae Variant Classification Sherloc (09022015). Collection method: clinical testing. Allele origin: germline.
Comment: This sequence change replaces glycine, which is neutral and non-polar, with serine, which is neutral and polar, at codon 1191 of the POLE protein (p.Gly1191Ser). Information on the frequency of this variant in the gnomAD database is not available, as this variant may be reported differently in the database. This variant has not been reported in the literature in individuals affected with POLE-related conditions. ClinVar contains an entry for this variant (Variation ID: 857077). Experimental studies and prediction algorithms are not available or were not evaluated, and the functional significance of this variant is currently unknown. In summary, the available evidence is currently insufficient to determine the role of this variant in disease. Therefore, it has been classified as a Variant of Uncertain Significance.